The following is an entry in ClinVar:

NM_018714.3(COG1):c.1243G>C (p.Glu415Gln)

Genes: COG1 (component of oligomeric golgi complex 1; plus strand), LOC126862634 (CDK7 strongly-dependent group 2 enhancer GRCh37_chr17:71195948-71197147; plus strand). Cytogenetic location: 17q25.1.
Variant type: single nucleotide variant.
Coding change: c.1243G>C on transcript NM_018714.3 (MANE Select); coding-DNA position 1243, G replaced by C.
Protein change: p.Glu415Gln; replaces glutamic acid 415 with glutamine.
Molecular consequence: missense variant.
Genome position (GRCh38, 1-based): chr17:73,200,738, G>C. VCF-style: chr17-73200738-G-C. GRCh37 (hg19) VCF-style: chr17-71196877-G-C.
Other names: short protein forms E415Q.
Identifiers: ClinVar variation 889657 (VCV000889657.13), dbSNP rs142830395, ClinGen allele CA8740183.
Genomic context (GRCh38, chr17:73,200,738, plus strand): 5'-ACCAATCACAGCTGGGATGTGCTATGTCGGCGGCTTCTGGAGAAGCCGCTCTTGTTCTGG[G>C]AAGATATGATGCAGCAACTGTTCCTTGACCGATTACAGGTGAGCTGGACAGTCACATGGT-3'
Protein context (NP_061184.1, residues 405-425): RLLEKPLLFW[Glu415Gln]DMMQQLFLDR

ClinVar aggregate classification (germline): Uncertain significance. Review status: criteria provided, multiple submitters, no conflicts (2 of 4 stars). 5 submissions from 5 submitters: Uncertain significance (5). Last evaluated 2024-11-28.

Conditions:
Inborn genetic diseases. Identifiers: MedGen C0950123, MeSH D030342.
COG1 congenital disorder of glycosylation (CDG2G). Also called: CONGENITAL DISORDER OF GLYCOSYLATION, TYPE IIg; CDG IIg; CDGII/COG1 CEREBROCOSTOMANDIBULAR-LIKE SYNDROME. Identifiers: Orphanet 263508, MedGen C2931011, MONDO:0012637, OMIM 611209.

Allele frequency attached by ClinVar (database versions not stated): gnomAD exomes 0.00002 and 0.00005; ExAC 0.00003; ESP Exome Variant Server 0.00008; gnomAD 0.00019 and 0.00021; TOPMed 0.00026.
gnomAD v4.1: 54 of 1,614,070 alleles (0.0033%); highest among the groups gnomAD compares: African/African-American, 0.061%; no homozygotes.

Submissions (5):

Laboratorio de Genetica e Diagnostico Molecular, Hospital Israelita Albert Einstein
Classification: Uncertain significance for COG1 congenital disorder of glycosylation. Last evaluated: 2024-11-28. Review status: criteria provided, single submitter. Criteria: ACMG Guidelines, 2015. Collection method: clinical testing. Allele origin: germline. Affected: yes.
Comment: ACMG classification criteria: PM2 supporting, BP4 supporting

Labcorp Genetics (formerly Invitae), Labcorp
Classification: Uncertain significance for COG1 congenital disorder of glycosylation. Last evaluated: 2022-09-19. Review status: criteria provided, single submitter. Criteria: Invitae Variant Classification Sherloc (09022015). Collection method: clinical testing. Allele origin: germline.
Comment: This sequence change replaces glutamic acid, which is acidic and polar, with glutamine, which is neutral and polar, at codon 415 of the COG1 protein (p.Glu415Gln). This variant is present in population databases (rs142830395, gnomAD 0.06%). This variant has not been reported in the literature in individuals affected with COG1-related conditions. ClinVar contains an entry for this variant (Variation ID: 889657). Advanced modeling of protein sequence and biophysical properties (such as structural, functional, and spatial information, amino acid conservation, physicochemical variation, residue mobility, and thermodynamic stability) performed at Invitae indicates that this missense variant is not expected to disrupt COG1 protein function. In summary, the available evidence is currently insufficient to determine the role of this variant in disease. Therefore, it has been classified as a Variant of Uncertain Significance.

Ambry Genetics
Classification: Uncertain significance for Inborn genetic diseases. Last evaluated: 2021-06-22. Review status: criteria provided, single submitter. Criteria: Ambry Variant Classification Scheme 2023. Collection method: clinical testing. Allele origin: germline.

Baylor Genetics
Classification: Uncertain significance for COG1 congenital disorder of glycosylation. Last evaluated: 2018-09-10. Review status: criteria provided, single submitter. Criteria: ACMG Guidelines, 2015. Collection method: clinical testing. Allele origin: unknown. Affected: yes.
Comment: This variant was determined to be of uncertain significance according to ACMG Guidelines, 2015 [PMID:25741868].

Illumina Laboratory Services, Illumina
Classification: Uncertain significance for COG1 congenital disorder of glycosylation. Last evaluated: 2018-01-13. Review status: criteria provided, single submitter. Criteria: ICSL Variant Classification Criteria 13 December 2019. Collection method: clinical testing. Allele origin: germline.